The following is an entry in ClinVar:

ClinVar aggregate classification (germline): Conflicting classifications of pathogenicity. Review status: criteria provided, conflicting classifications (1 of 4 stars). 5 submissions from 5 submitters: Uncertain significance (2); Likely benign (2). 1 of the submissions does not count toward it. Last evaluated 2026-01-26.

Conditions:
Amelocerebrohypohidrotic syndrome (KTZS). Also called: KOHLSCHUTTER SYNDROME; EPILEPSY AND YELLOW TEETH; EPILEPSY, DEMENTIA, AND AMELOGENESIS IMPERFECTA; Kohlschutter's syndrome. Identifiers: Orphanet 1946, MedGen C0406740, MONDO:0009185, OMIM 226750.
ROGDI-related disorder. Also called: ROGDI-related condition.

Allele frequency attached by ClinVar (database versions not stated): 1000 Genomes Project 30x 0.00172; ESP Exome Variant Server 0.00192; 1000 Genomes Project 0.00200; gnomAD 0.00220; TOPMed 0.00221.
gnomAD v4.1: 667 of 1,613,842 alleles (0.041%); highest among the groups gnomAD compares: African/African-American, 0.79%; 5 homozygotes.

Submissions (5):

Labcorp Genetics (formerly Invitae), Labcorp
Classification: Likely benign for Amelocerebrohypohidrotic syndrome. Last evaluated: 2026-01-26. Review status: criteria provided, single submitter. Criteria: Invitae Variant Classification Sherloc (09022015). Collection method: clinical testing. Allele origin: germline.

CeGaT Center for Human Genetics Tuebingen
Classification: Uncertain significance. Last evaluated: 2021-09-01. Review status: criteria provided, single submitter. Criteria: CeGaT Center For Human Genetics Tuebingen Variant Classification Criteria Version 2. Collection method: clinical testing. Allele origin: germline. Affected: yes. Observed: 1 variant allele.

Mayo Clinic Laboratories, Mayo Clinic
Classification: Uncertain significance. Last evaluated: 2019-06-24. Review status: criteria provided, single submitter. Criteria: ACMG Guidelines, 2015. Collection method: clinical testing. Allele origin: germline. Observed: 1 variant allele.

Illumina Laboratory Services, Illumina
Classification: Likely benign for Kohlschutter syndrome. Last evaluated: 2018-01-12. Review status: criteria provided, single submitter. Criteria: ICSL Variant Classification Criteria 13 December 2019. Collection method: clinical testing. Allele origin: germline.
Comment: This variant was observed in the ICSL laboratory as part of a predisposition screen in an ostensibly healthy population. It had not been previously curated by ICSL or reported in the Human Gene Mutation Database (HGMD: prior to June 1st, 2018), and was therefore a candidate for classification through an automated scoring system. Utilizing variant allele frequency, disease prevalence and penetrance estimates, and inheritance mode, an automated score was calculated to assess if this variant is too frequent to cause the disease. Based on the score and internal cut-off values, a variant classified as likely benign is not then subjected to further curation. The score for this variant resulted in a classification of likely benign for this disease.

PreventionGenetics, part of Exact Sciences
Classification: Benign for ROGDI-related condition. Last evaluated: 2019-09-11. Review status: no assertion criteria provided. Collection method: clinical testing. Allele origin: germline. Not counted in ClinVar's aggregate classification.
Comment: This variant is classified as benign based on ACMG/AMP sequence variant interpretation guidelines (Richards et al. 2015 PMID: 25741868, with internal and published modifications).

NM_024589.3(ROGDI):c.625C>G (p.Leu209Val)

Gene: ROGDI (rogdi atypical leucine zipper; minus strand). Cytogenetic location: 16p13.3.
Variant type: single nucleotide variant.
Coding change: c.625C>G on transcript NM_024589.3 (MANE Select); coding-DNA position 625, C replaced by G.
Protein change: p.Leu209Val; replaces leucine 209 with valine.
Molecular consequence: missense variant. On other transcripts: non-coding transcript variant (1).
Genome position (GRCh38, 1-based): chr16:4,798,091, G>C on the plus strand (C>G on the coding strand, the complement: ROGDI is on the minus strand). VCF-style: chr16-4798091-G-C. GRCh37 (hg19) VCF-style: chr16-4848092-G-C.
Other names: short protein forms L209V.
Identifiers: ClinVar variation 319401 (VCV000319401.55), dbSNP rs144866271, ClinGen allele CA7882611.